The following is an entry in ClinVar:

NM_000891.3(KCNJ2):c.867C>A (p.Asn289Lys)

Gene: KCNJ2 (potassium inwardly rectifying channel subfamily J member 2; plus strand). Cytogenetic location: 17q24.3.
Variant type: single nucleotide variant.
Coding change: c.867C>A on transcript NM_000891.3 (MANE Select); coding-DNA position 867, C replaced by A.
Protein change: p.Asn289Lys; replaces asparagine 289 with lysine.
Molecular consequence: missense variant.
Genome position (GRCh38, 1-based): chr17:70,175,906, C>A. VCF-style: chr17-70175906-C-A. GRCh37 (hg19) VCF-style: chr17-68172047-C-A.
Other names: short protein forms N289K.
Identifiers: ClinVar variation 3753296 (VCV003753296.2).

ClinVar aggregate classification (germline): Uncertain significance (1 of 4 stars; one submission).

Conditions:
Andersen Tawil syndrome (LQT7). Also called: ANDERSEN CARDIODYSRHYTHMIC PERIODIC PARALYSIS; LONG QT SYNDROME 7; PERIODIC PARALYSIS, POTASSIUM-SENSITIVE CARDIODYSRHYTHMIC TYPE; Andersen Syndrome; Potassium-sensitive periodic paralysis, ventricular ectopy, and dysmorphic features. Identifiers: Orphanet 37553, MedGen C1563715, MONDO:0008222, OMIM 170390.
Short QT syndrome type 3. Identifiers: Orphanet 51083, MedGen C1865018, MONDO:0012314, OMIM 609622.

Submission:

Labcorp Genetics (formerly Invitae), Labcorp
Classification: Uncertain significance for Short QT syndrome type 3; Andersen Tawil syndrome. Last evaluated: 2024-07-12. Review status: criteria provided, single submitter. Criteria: Invitae Variant Classification Sherloc (09022015). Collection method: clinical testing. Allele origin: germline.
Comment: This sequence change replaces asparagine, which is neutral and polar, with lysine, which is basic and polar, at codon 289 of the KCNJ2 protein (p.Asn289Lys). This variant is not present in population databases (gnomAD no frequency). This variant has not been reported in the literature in individuals affected with KCNJ2-related conditions. Advanced modeling of protein sequence and biophysical properties (such as structural, functional, and spatial information, amino acid conservation, physicochemical variation, residue mobility, and thermodynamic stability) performed at Invitae indicates that this missense variant is not expected to disrupt KCNJ2 protein function with a negative predictive value of 80%. In summary, the available evidence is currently insufficient to determine the role of this variant in disease. Therefore, it has been classified as a Variant of Uncertain Significance.